The following is an entry in ClinVar:

NM_001349206.2(LPIN1):c.2774C>T (p.Ser925Leu)

Gene: LPIN1 (lipin 1; plus strand). Cytogenetic location: 2p25.1.
Variant type: single nucleotide variant.
Coding change: c.2774C>T on transcript NM_001349206.2 (MANE Select); coding-DNA position 2774, C replaced by T.
Protein change: p.Ser925Leu; replaces serine 925 with leucine.
Molecular consequence: missense variant. On other transcripts: non-coding transcript variant (1).
Genome position (GRCh38, 1-based): chr2:11,824,784, C>T. VCF-style: chr2-11824784-C-T. GRCh37 (hg19) VCF-style: chr2-11964910-C-T.
Other names: c.2684C>T, p.Ser895Leu (NM_001261427.3); c.2921C>T, p.Ser974Leu (NM_001261428.3); c.2666C>T, p.Ser889Leu (NM_001349199.2, NM_145693.4); c.2744C>T, p.Ser915Leu (NM_001349200.2, NM_001349201.2); c.2771C>T, p.Ser924Leu (NM_001349202.2, NM_001349203.2); c.2774C>T, p.Ser925Leu (NM_001349204.2, NM_001349205.2); c.2864C>T, p.Ser955Leu (NM_001349207.2); c.2813C>T, p.Ser938Leu (NM_001349208.2); short protein forms S915L, S938L, S925L, S889L, S895L, S924L, S955L, S974L.
Identifiers: ClinVar variation 2199873 (VCV002199873.2), dbSNP rs374190632, ClinGen allele CA1534193.

ClinVar aggregate classification (germline): Uncertain significance (1 of 4 stars; one submission).

Allele frequency attached by ClinVar (database versions not stated): ExAC 0.00006; TOPMed 0.00006; gnomAD 0.00007; ESP Exome Variant Server 0.00008; 1000 Genomes Project 0.00020; 1000 Genomes Project 30x 0.00031.
gnomAD v4.1: 18 of 1,614,196 alleles (0.0011%); highest among the groups gnomAD compares: African/African-American, 0.019%; no homozygotes.

Submission:

Labcorp Genetics (formerly Invitae), Labcorp
Classification: Uncertain significance. Last evaluated: 2024-08-05. Review status: criteria provided, single submitter. Criteria: Invitae Variant Classification Sherloc (09022015). Collection method: clinical testing. Allele origin: germline.
Comment: This sequence change replaces serine, which is neutral and polar, with leucine, which is neutral and non-polar, at codon 889 of the LPIN1 protein (p.Ser889Leu). This variant is present in population databases (rs374190632, gnomAD 0.04%). This variant has not been reported in the literature in individuals affected with LPIN1-related conditions. ClinVar contains an entry for this variant (Variation ID: 2199873). An algorithm developed to predict the effect of missense changes on protein structure and function (PolyPhen-2) suggests that this variant is likely to be disruptive. In summary, the available evidence is currently insufficient to determine the role of this variant in disease. Therefore, it has been classified as a Variant of Uncertain Significance.